The following is an entry in ClinVar:

NM_001283009.2(RTEL1):c.3589G>C (p.Gly1197Arg)

Genes: RTEL1 (regulator of telomere elongation helicase 1; plus strand), RTEL1-TNFRSF6B (RTEL1-TNFRSF6B readthrough (NMD candidate); plus strand). Cytogenetic location: 20q13.33.
Variant type: single nucleotide variant.
Coding change: c.3589G>C on transcript NM_001283009.2 (MANE Select); coding-DNA position 3589, G replaced by C.
Protein change: p.Gly1197Arg; replaces glycine 1197 with arginine.
Molecular consequence: missense variant. On other transcripts: non-coding transcript variant (1).
Genome position (GRCh38, 1-based): chr20:63,695,417, G>C. VCF-style: chr20-63695417-G-C. GRCh37 (hg19) VCF-style: chr20-62326770-G-C.
Other names: c.2920G>C, p.Gly974Arg (NM_001283010.1); c.3589G>C, p.Gly1197Arg (NM_016434.4); c.3661G>C, p.Gly1221Arg (NM_032957.5); short protein forms G1197R, G1221R, G974R.
Identifiers: ClinVar variation 2935084 (VCV002935084.3), dbSNP rs545606632, ClinGen allele CA409686309.

ClinVar aggregate classification (germline): Uncertain significance (1 of 4 stars; one submission).

Conditions:
Dyskeratosis congenita, autosomal recessive 5 (DKCB5). Identifiers: MedGen C3554656, MONDO:0014076, OMIM 615190.
Pulmonary fibrosis and/or bone marrow failure, Telomere-related, 3. Also called: PULMONARY FIBROSIS AND/OR BONE MARROW FAILURE SYNDROME, TELOMERE-RELATED, 3. Identifiers: Orphanet 2032, MedGen C4225346, MONDO:0014613, OMIM 616373.

Submission:

Labcorp Genetics (formerly Invitae), Labcorp
Classification: Uncertain significance for Dyskeratosis congenita, autosomal recessive 5; Pulmonary fibrosis and/or bone marrow failure, Telomere-related, 3. Last evaluated: 2023-12-01. Review status: criteria provided, single submitter. Criteria: Invitae Variant Classification Sherloc (09022015). Collection method: clinical testing. Allele origin: germline.
Comment: This sequence change replaces glycine, which is neutral and non-polar, with arginine, which is basic and polar, at codon 1197 of the RTEL1 protein (p.Gly1197Arg). This variant is not present in population databases (gnomAD no frequency). This variant has not been reported in the literature in individuals affected with RTEL1-related conditions. An algorithm developed to predict the effect of missense changes on protein structure and function (PolyPhen-2) suggests that this variant is likely to be tolerated. In summary, the available evidence is currently insufficient to determine the role of this variant in disease. Therefore, it has been classified as a Variant of Uncertain Significance.